The following is an entry in ClinVar:

NM_020822.3(KCNT1):c.1420C>A (p.Arg474Ser)

Gene: KCNT1 (potassium sodium-activated channel subfamily T member 1; plus strand). Cytogenetic location: 9q34.3.
Variant type: single nucleotide variant.
Coding change: c.1420C>A on transcript NM_020822.3 (MANE Select); coding-DNA position 1420, C replaced by A.
Protein change: p.Arg474Ser; replaces arginine 474 with serine.
Molecular consequence: missense variant.
Genome position (GRCh38, 1-based): chr9:135,768,847, C>A. VCF-style: chr9-135768847-C-A. GRCh37 (hg19) VCF-style: chr9-138660693-C-A.
Other names: c.1285C>A, p.Arg429Ser (NM_001272003.2); short protein forms R474S, R429S.
Identifiers: ClinVar variation 280254 (VCV000280254.5), dbSNP rs866242631, ClinGen allele CA10603169.

ClinVar aggregate classification (germline): Conflicting classifications of pathogenicity. Review status: criteria provided, conflicting classifications (1 of 4 stars). 3 submissions from 3 submitters: Pathogenic (2); Uncertain significance (1). Last evaluated 2025-01-13.

Conditions:
Developmental and epileptic encephalopathy, 14 (DEE14). Also called: Early infantile epileptic encephalopathy 14. Identifiers: Orphanet 293181, MedGen C3554195, MONDO:0013989, OMIM 614959.

Submissions (3):

Institute of Human Genetics, University of Leipzig Medical Center
Classification: Pathogenic for Developmental and epileptic encephalopathy, 14. Last evaluated: 2025-01-13. Review status: criteria provided, single submitter. Criteria: ACMG Guidelines, 2015. Collection method: clinical testing. Allele origin: de novo. Inheritance: Autosomal dominant inheritance. Affected: yes.
Comment: Criteria applied: PM5_STR,PM1,PM2,PS2_MOD,PS4_SUP,PP3

Laboratorio de Genetica e Diagnostico Molecular, Hospital Israelita Albert Einstein
Classification: Uncertain significance for Developmental and epileptic encephalopathy, 14. Last evaluated: 2022-04-04. Review status: criteria provided, single submitter. Criteria: ACMG Guidelines, 2015. Collection method: clinical testing. Allele origin: germline. Affected: yes. Observed: 1 variant allele.
Comment: ACMG classification criteria: PM2 moderated, PM5 moderated, PP3 supporting

GeneDx
Classification: Pathogenic. Last evaluated: 2016-01-15. Review status: criteria provided, single submitter. Criteria: GeneDx Variant Classification (06012015). Collection method: clinical testing. Allele origin: germline. Affected: yes.
Comment: The R474S pathogenic variant in the KCNT1 gene has not been reported previously as a pathogenic variant nor as a benign variant, to our knowledge. However, missense variants at this same codon (R474H and R474C) have been reported in the Human Gene Mutation Database in association with KCNT1-related disorders (Stenson et al., 2014). The R474S variant was not observed in approximately 6500 individuals of European and African American ancestry in the NHLBI Exome Sequencing Project, indicating it is not a common benign variant in these populations. The R474S variant is a semi-conservative amino acid substitution, which may impact secondary protein structure as these residues differ in some properties. This substitution occurs at a position that is conserved across species. In silico analysis predicts this variant is probably damaging to the protein structure/function. We, therefore, interpret R474S as a pathogenic variant.